The following is an entry in ClinVar:

ClinVar aggregate classification (germline): Uncertain significance (1 of 4 stars; one submission).

Submission:

Labcorp Genetics (formerly Invitae), Labcorp
Classification: Uncertain significance. Last evaluated: 2025-08-16. Review status: criteria provided, single submitter. Criteria: Invitae Variant Classification Sherloc (09022015). Collection method: clinical testing. Allele origin: germline.
Comment: This sequence change replaces glutamine, which is neutral and polar, with histidine, which is basic and polar, at codon 2856 of the UNC80 protein (p.Gln2856His). This variant is not present in population databases (gnomAD no frequency). This variant has not been reported in the literature in individuals affected with UNC80-related conditions. Invitae Evidence Modeling of protein sequence and biophysical properties (such as structural, functional, and spatial information, amino acid conservation, physicochemical variation, residue mobility, and thermodynamic stability) indicates that this missense variant is not expected to disrupt UNC80 protein function with a negative predictive value of 80%. In summary, the available evidence is currently insufficient to determine the role of this variant in disease. Therefore, it has been classified as a Variant of Uncertain Significance.

NM_001371986.1(UNC80):c.8766G>C (p.Gln2922His)

Gene: UNC80 (unc-80 subunit of NALCN channel complex; plus strand). Cytogenetic location: 2q34.
Variant type: single nucleotide variant.
Coding change: c.8766G>C on transcript NM_001371986.1 (MANE Select); coding-DNA position 8766, G replaced by C.
Protein change: p.Gln2922His; replaces glutamine 2922 with histidine.
Molecular consequence: missense variant.
Genome position (GRCh38, 1-based): chr2:209,976,297, G>C. VCF-style: chr2-209976297-G-C. GRCh37 (hg19) VCF-style: chr2-210841021-G-C.
Other names: c.8568G>C, p.Gln2856His (NM_032504.2); c.8553G>C, p.Gln2851His (NM_182587.4); short protein forms Q2851H, Q2856H, Q2922H.
Identifiers: ClinVar variation 4773006 (VCV004773006.1).